The following is an entry in ClinVar:

ClinVar aggregate classification (germline): Uncertain significance. Review status: criteria provided, multiple submitters, no conflicts (2 of 4 stars). 2 submissions from 2 submitters: Uncertain significance (2). Last evaluated 2025-05-18.

Conditions:
Long QT syndrome (LQTS). Identifiers: MedGen C0023976, MeSH D008133, MONDO:0002442. Disease mechanism: loss of function. Inheritance: Various modes of inheritance.
Cardiovascular phenotype. Identifiers: MedGen CN230736.

gnomAD v4.1: 7 of 1,613,870 alleles (0.00043%); highest among the groups gnomAD compares: South Asian, 0.0022%; no homozygotes.

Submissions (2):

Labcorp Genetics (formerly Invitae), Labcorp
Classification: Uncertain significance for Long QT syndrome. Last evaluated: 2025-05-18. Review status: criteria provided, single submitter. Criteria: Invitae Variant Classification Sherloc (09022015). Collection method: clinical testing. Allele origin: germline.
Comment: This sequence change replaces arginine, which is basic and polar, with glutamine, which is neutral and polar, at codon 1784 of the ANK2 protein (p.Arg1784Gln). This variant is present in population databases (rs777085522, gnomAD 0.006%). This variant has not been reported in the literature in individuals affected with ANK2-related conditions. ClinVar contains an entry for this variant (Variation ID: 1492848). An algorithm developed to predict the effect of missense changes on protein structure and function (PolyPhen-2) suggests that this variant is likely to be tolerated. In summary, the available evidence is currently insufficient to determine the role of this variant in disease. Therefore, it has been classified as a Variant of Uncertain Significance.

Ambry Genetics
Classification: Uncertain significance for Cardiovascular phenotype. Last evaluated: 2025-03-31. Review status: criteria provided, single submitter. Criteria: Ambry Variant Classification Scheme 2023. Collection method: clinical testing. Allele origin: germline.

NM_001148.6(ANK2):c.5351G>A (p.Arg1784Gln)

Genes: ANK2 (ankyrin 2; plus strand), LOC126807136 (MED14-independent group 3 enhancer GRCh37_chr4:114274931-114276130; plus strand). Cytogenetic location: 4q26.
Variant type: single nucleotide variant.
Coding change: c.5351G>A on transcript NM_001148.6 (MANE Select); coding-DNA position 5351, G replaced by A.
Protein change: p.Arg1784Gln; replaces arginine 1784 with glutamine.
Molecular consequence: missense variant. On other transcripts: intron variant (68).
Genome position (GRCh38, 1-based): chr4:113,353,969, G>A. VCF-style: chr4-113353969-G-A. GRCh37 (hg19) VCF-style: chr4-114275125-G-A.
Other names: c.5117G>A, p.Arg1706Gln (NM_001386142.1); c.1751G>A, p.Arg584Gln (NM_001386166.1); c.5492G>A, p.Arg1831Gln (NM_001386174.1); c.5468G>A, p.Arg1823Gln (NM_001386175.1); c.4411+3720G>A (NM_001386186.2, NM_001386148.2); c.4213+3720G>A (NM_001354269.3); c.4291+3720G>A (NM_001386187.2); c.4252+3720G>A (NM_001386147.1); and 35 more; short protein forms R1831Q, R584Q, R1823Q, R1706Q, R1784Q.
Identifiers: ClinVar variation 1492848 (VCV001492848.9), dbSNP rs777085522, ClinGen allele CA3051207.